The following is an entry in ClinVar:

NM_145698.5(ACBD5):c.586G>A (p.Ala196Thr)

Gene: ACBD5 (acyl-CoA binding domain containing 5; minus strand). Cytogenetic location: 10p12.1.
Variant type: single nucleotide variant.
Coding change: c.586G>A on transcript NM_145698.5 (MANE Select); coding-DNA position 586, G replaced by A.
Protein change: p.Ala196Thr; replaces alanine 196 with threonine.
Molecular consequence: missense variant.
Genome position (GRCh38, 1-based): chr10:27,219,762, C>T on the plus strand (G>A on the coding strand, the complement: ACBD5 is on the minus strand). VCF-style: chr10-27219762-C-T. GRCh37 (hg19) VCF-style: chr10-27508691-C-T.
Other names: c.481G>A, p.Ala161Thr (NM_001042473.4, NM_001352577.2, NM_001352578.2 and 2 more transcripts); c.580G>A, p.Ala194Thr (NM_001271512.3, NM_001352587.1); c.259G>A, p.Ala87Thr (NM_001301251.2, NM_001301252.2, NM_001301253.2 and 3 more transcripts); c.640G>A, p.Ala214Thr (NM_001352568.1); c.619G>A, p.Ala207Thr (NM_001352569.1, NM_001352581.1); c.586G>A, p.Ala196Thr (NM_001352570.1, NM_001352588.1); c.613G>A, p.Ala205Thr (NM_001352571.1, NM_001352586.1); c.607G>A, p.Ala203Thr (NM_001352572.1); and 4 more; short protein forms A172T, A214T, A143T, A205T, A98T, A194T, A196T, A207T.
Identifiers: ClinVar variation 1976243 (VCV001976243.2), dbSNP rs767844063, ClinGen allele CA5450887.

ClinVar aggregate classification (germline): Uncertain significance (1 of 4 stars; one submission).

Allele frequency attached by ClinVar (database versions not stated): ExAC 0.00001; gnomAD exomes 0.00001; TOPMed 0.00001.
gnomAD v4.1: 4 of 1,614,030 alleles (0.00025%); highest among the groups gnomAD compares: Middle Eastern, 0.016%; no homozygotes.

Submission:

Labcorp Genetics (formerly Invitae), Labcorp
Classification: Uncertain significance. Last evaluated: 2022-08-05. Review status: criteria provided, single submitter. Criteria: Invitae Variant Classification Sherloc (09022015). Collection method: clinical testing. Allele origin: germline.
Comment: This sequence change replaces alanine, which is neutral and non-polar, with threonine, which is neutral and polar, at codon 196 of the ACBD5 protein (p.Ala196Thr). This variant is present in population databases (rs767844063, gnomAD 0.0009%). This variant has not been reported in the literature in individuals affected with ACBD5-related conditions. Algorithms developed to predict the effect of missense changes on protein structure and function output the following: SIFT: "Tolerated"; PolyPhen-2: "Benign"; Align-GVGD: "Class C0". The threonine amino acid residue is found in multiple mammalian species, which suggests that this missense change does not adversely affect protein function. In summary, the available evidence is currently insufficient to determine the role of this variant in disease. Therefore, it has been classified as a Variant of Uncertain Significance.